The following is an entry in ClinVar:

NM_001003800.2(BICD2):c.2258+6C>T

Gene: BICD2 (BICD cargo adaptor 2; minus strand). Cytogenetic location: 9q22.31.
Variant type: single nucleotide variant.
Coding change: c.2258+6C>T on transcript NM_001003800.2 (MANE Select); 6 bases into the intron after coding-DNA position 2258, C replaced by T.
Molecular consequence: intron variant.
Genome position (GRCh38, 1-based): chr9:92,717,791, G>A on the plus strand (C>T on the coding strand, the complement: BICD2 is on the minus strand). VCF-style: chr9-92717791-G-A. GRCh37 (hg19) VCF-style: chr9-95480073-G-A.
Other names: c.2258+6C>T (NM_015250.4).
Identifiers: ClinVar variation 680342 (VCV000680342.7), dbSNP rs566572599, ClinGen allele CA5126365.

ClinVar aggregate classification (germline): Conflicting classifications of pathogenicity. Review status: criteria provided, conflicting classifications (1 of 4 stars). 3 submissions from 3 submitters: Uncertain significance (2); Likely benign (1). Last evaluated 2024-08-19.

Conditions:
Autosomal dominant childhood-onset proximal spinal muscular atrophy with contractures (SMALED2A). Also called: SPINAL MUSCULAR ATROPHY, LOWER EXTREMITY-PREDOMINANT, 2A, CHILDHOOD ONSET, AUTOSOMAL DOMINANT; Spinal muscular atrophy, lower extremity-predominant, 2A, autosomal dominant. Identifiers: Orphanet 363447, Orphanet 363454, MedGen C4747715, MONDO:0014121, OMIM 615290.

Allele frequency attached by ClinVar (database versions not stated): gnomAD 0.00001; ExAC 0.00002; gnomAD exomes 0.00001; TOPMed 0.00002.
gnomAD v4.1: 18 of 1,605,632 alleles (0.0011%); highest among the groups gnomAD compares: East Asian, 0.0022%; no homozygotes.

Submissions (3):

Labcorp Genetics (formerly Invitae), Labcorp
Classification: Uncertain significance for Autosomal dominant childhood-onset proximal spinal muscular atrophy with contractures. Last evaluated: 2024-08-19. Review status: criteria provided, single submitter. Criteria: Invitae Variant Classification Sherloc (09022015). Collection method: clinical testing. Allele origin: germline.
Comment: This sequence change falls in intron 6 of the BICD2 gene. It does not directly change the encoded amino acid sequence of the BICD2 protein. It affects a nucleotide within the consensus splice site. This variant is present in population databases (rs566572599, gnomAD 0.002%). This variant has not been reported in the literature in individuals affected with BICD2-related conditions. ClinVar contains an entry for this variant (Variation ID: 680342). Variants that disrupt the consensus splice site are a relatively common cause of aberrant splicing (PMID: 17576681, 9536098). Algorithms developed to predict the effect of sequence changes on RNA splicing suggest that this variant is not likely to affect RNA splicing. In summary, the available evidence is currently insufficient to determine the role of this variant in disease. Therefore, it has been classified as a Variant of Uncertain Significance.

Women's Health and Genetics/Laboratory Corporation of America, LabCorp
Classification: Uncertain significance. Last evaluated: 2023-08-31. Review status: criteria provided, single submitter. Criteria: LabCorp Variant Classification Summary - May 2015. Collection method: clinical testing. Allele origin: germline.
Comment: Variant summary: BICD2 c.2258+6C>T alters a non-conserved nucleotide located close to a canonical splice site and therefore could affect mRNA splicing, leading to a significantly altered protein sequence. Consensus agreement among computation tools predicts no significant impact on normal splicing. However, these predictions have yet to be confirmed by functional studies. The variant allele was found at a frequency of 8.2e-06 in 242546 control chromosomes. The available data on variant occurrences in the general population are insufficient to allow any conclusion about variant significance. To our knowledge, no occurrence of c.2258+6C>T in individuals affected with Spinal Muscular Atrophy With Lower Extremity Predominance and no experimental evidence demonstrating its impact on protein function have been reported. Two submitters have reported clinical-significance assessments for this variant to ClinVar after 2014. One submitter classified the variant as likely benign, and one submitter classified the variant as uncertain significance. Based on the evidence outlined above, the variant was classified as uncertain significance.

GeneDx
Classification: Likely benign. Last evaluated: 2018-03-14. Review status: criteria provided, single submitter. Criteria: GeneDx Variant Classification (06012015). Collection method: clinical testing. Allele origin: germline. Affected: yes.
Comment: This variant is considered likely benign or benign based on one or more of the following criteria: it is a conservative change, it occurs at a poorly conserved position in the protein, it is predicted to be benign by multiple in silico algorithms, and/or has population frequency not consistent with disease.

Literature cited by the submitters: PubMed 17576681 (cited by Labcorp Genetics (formerly Invitae), Labcorp); PubMed 9536098 (cited by Labcorp Genetics (formerly Invitae), Labcorp).